The following is an entry in ClinVar:

NM_017875.4(SLC25A38):c.586del (p.Tyr195_Leu196insTer)

Gene: SLC25A38 (solute carrier family 25 member 38; plus strand). Cytogenetic location: 3p22.1.
Variant type: Deletion.
Coding change: c.586del on transcript NM_017875.4 (MANE Select); coding-DNA position 586, one base deleted (C; older notation c.586delC).
Protein change: p.Tyr195_Leu196insTer.
Molecular consequence: nonsense.
Genome position (GRCh38, 1-based): chr3:39,391,982, C deleted; the last of 2 consecutive C bases (chr3:39,391,981-39,391,982); deleting either gives the same sequence. VCF-style (leftmost placement, unchanged base first): chr3-39391980-AC-A. GRCh37 (hg19) VCF-style: chr3-39433471-AC-A.
Other names: c.586del, p.Tyr195_Leu196insTer (NM_001354798.2).
Identifiers: ClinVar variation 4693683 (VCV004693683.1).
Genomic context (GRCh38, chr3:39,391,980, plus strand): 5'-GGGGCCTCTTCAGTGGCCTGACAGCAACTCTCCTTCGAGATGCGCCCTTCTCAGGAATCT[AC>A]CTGATGTTTTACAACCAGACCAAAAATATAGTGCCTCATGGTAGGGATAAAGGAAGATCT-3'

ClinVar aggregate classification (germline): Pathogenic (1 of 4 stars; one submission).

Submission:

Labcorp Genetics (formerly Invitae), Labcorp
Classification: Pathogenic. Last evaluated: 2026-01-09. Review status: criteria provided, single submitter. Criteria: Invitae Variant Classification Sherloc (09022015). Collection method: clinical testing. Allele origin: germline.
Comment: This sequence change creates a premature translational stop signal (p.Leu196*) in the SLC25A38 gene. It is expected to result in an absent or disrupted protein product. Loss-of-function variants in SLC25A38 are known to be pathogenic (PMID: 19412178, 25985931). This variant is not present in population databases (gnomAD no frequency). This variant has not been reported in the literature in individuals affected with SLC25A38-related conditions. Algorithms developed to predict the effect of sequence changes on RNA splicing suggest that this variant may disrupt the consensus splice site. For these reasons, this variant has been classified as Pathogenic.

Literature cited by the submitters: PubMed 19412178; PubMed 25985931.